The following is an entry in ClinVar:

NM_020937.4(FANCM):c.4732T>G (p.Tyr1578Asp)

Gene: FANCM (FA complementation group M; plus strand). Cytogenetic location: 14q21.2.
Variant type: single nucleotide variant.
Coding change: c.4732T>G on transcript NM_020937.4 (MANE Select); coding-DNA position 4732, T replaced by G.
Protein change: p.Tyr1578Asp; replaces tyrosine 1578 with aspartic acid.
Molecular consequence: missense variant.
Genome position (GRCh38, 1-based): chr14:45,187,840, T>G. VCF-style: chr14-45187840-T-G. GRCh37 (hg19) VCF-style: chr14-45657043-T-G.
Other names: c.4654T>G, p.Tyr1552Asp (NM_001308133.2); short protein forms Y1552D, Y1578D.
Identifiers: ClinVar variation 3728848 (VCV003728848.2).

ClinVar aggregate classification (germline): Uncertain significance (1 of 4 stars; one submission).

Conditions:
Fanconi anemia (FA). Also called: Fanconi's anemia. Identifiers: Orphanet 84, MedGen C0015625, MeSH D005199, MONDO:0019391.

Submission:

Labcorp Genetics (formerly Invitae), Labcorp
Classification: Uncertain significance for Fanconi anemia. Last evaluated: 2025-01-12. Review status: criteria provided, single submitter. Criteria: Invitae Variant Classification Sherloc (09022015). Collection method: clinical testing. Allele origin: germline.
Comment: This sequence change replaces tyrosine, which is neutral and polar, with aspartic acid, which is acidic and polar, at codon 1578 of the FANCM protein (p.Tyr1578Asp). This variant is not present in population databases (gnomAD no frequency). This variant has not been reported in the literature in individuals affected with FANCM-related conditions. An algorithm developed to predict the effect of missense changes on protein structure and function (PolyPhen-2) suggests that this variant is likely to be disruptive. In summary, the available evidence is currently insufficient to determine the role of this variant in disease. Therefore, it has been classified as a Variant of Uncertain Significance.